The following is an entry in ClinVar:

ClinVar aggregate classification (germline): not provided (0 of 4 stars; one submission).

Allele frequency attached by ClinVar (database versions not stated): gnomAD 0.00001.
gnomAD v4.1: 1 of 1,613,442 alleles (0.000062%); highest among the groups gnomAD compares: Non-Finnish European, 0.000085%; no homozygotes.

Submission:

Human Evolutionary Genetics, Institut Pasteur
No classification provided. Review status: no classification provided. Collection method: not provided. Allele origin: germline.
ClinVar note: Converted during submission from untested to not provided.

NM_001276700.2(NLRP6):c.1940A>G (p.Gln647Arg)

Gene: NLRP6 (NLR family pyrin domain containing 6; plus strand). Cytogenetic location: 11p15.5.
Variant type: single nucleotide variant.
Coding change: c.1940A>G on transcript NM_001276700.2 (MANE Select); coding-DNA position 1940, A replaced by G.
Protein change: p.Gln647Arg; replaces glutamine 647 with arginine.
Molecular consequence: missense variant.
Genome position (GRCh38, 1-based): chr11:281,674, A>G. VCF-style: chr11-281674-A-G. GRCh37 (hg19) VCF-style: chr11-281674-A-G.
Other names: c.1940A>G, p.Gln647Arg (NM_138329.2); short protein forms Q647R.
Identifiers: ClinVar variation 103233 (VCV000103233.2), dbSNP rs199475809, ClinGen allele CA230294.